The following is an entry in ClinVar:

ClinVar aggregate classification (germline): Likely pathogenic (1 of 4 stars; one submission).

Conditions:
Combined immunodeficiency due to LRBA deficiency. Also called: Common variable immunodeficiency 8, with autoimmunity. Identifiers: Orphanet 445018, MedGen C3553512, MONDO:0013863, OMIM 614700.

Submission:

Labcorp Genetics (formerly Invitae), Labcorp
Classification: Likely pathogenic for Combined immunodeficiency due to LRBA deficiency. Last evaluated: 2022-10-01. Review status: criteria provided, single submitter. Criteria: Invitae Variant Classification Sherloc (09022015). Collection method: clinical testing. Allele origin: germline.
Comment: In summary, the currently available evidence indicates that the variant is pathogenic, but additional data are needed to prove that conclusively. Therefore, this variant has been classified as Likely Pathogenic. Algorithms developed to predict the effect of sequence changes on RNA splicing suggest that this variant may disrupt the consensus splice site. This variant has not been reported in the literature in individuals affected with LRBA-related conditions. This variant is not present in population databases (gnomAD no frequency). This sequence change affects an acceptor splice site in intron 49 of the LRBA gene. It is expected to disrupt RNA splicing. Variants that disrupt the donor or acceptor splice site typically lead to a loss of protein function (PMID: 16199547), and loss-of-function variants in LRBA are known to be pathogenic (PMID: 26206937, 26768763).

Literature cited by the submitters: PubMed 16199547; PubMed 26206937; PubMed 26768763.

NM_001364905.1(LRBA):c.7363-1G>T

Gene: LRBA (LPS responsive beige-like anchor protein; minus strand). Cytogenetic location: 4q31.3.
Variant type: single nucleotide variant.
Coding change: c.7363-1G>T on transcript NM_001364905.1 (MANE Select); the canonical splice acceptor site of the intron before coding-DNA position 7363, G replaced by T.
Molecular consequence: splice acceptor variant.
Genome position (GRCh38, 1-based): chr4:150,325,899, C>A on the plus strand (G>T on the coding strand, the complement: LRBA is on the minus strand). VCF-style: chr4-150325899-C-A. GRCh37 (hg19) VCF-style: chr4-151247051-C-A.
Other names: c.7363-1G>T (NM_001367550.1, NM_001199282.3, NM_001440431.1); c.7396-1G>T (NM_006726.5, NM_001440430.1); c.1066-1G>T (NM_001440432.1); c.1060-1G>T (NM_001440433.1).
Identifiers: ClinVar variation 2018537 (VCV002018537.4), dbSNP rs2545893731, ClinGen allele CA358601738.